The following is an entry in ClinVar:

ClinVar aggregate classification (germline): Uncertain significance (1 of 4 stars; one submission).

Conditions:
Hereditary cancer-predisposing syndrome. Also called: Neoplastic Syndromes, Hereditary; Tumor predisposition; Hereditary Cancer Syndrome; Hereditary neoplastic syndrome. Identifiers: Orphanet 140162, MedGen C0027672, MeSH D009386, MONDO:0015356.

Submission:

Ambry Genetics
Classification: Uncertain significance for Hereditary cancer-predisposing syndrome. Last evaluated: 2022-03-01. Review status: criteria provided, single submitter. Criteria: Ambry Variant Classification Scheme 2023. Collection method: clinical testing. Allele origin: germline.
Comment: The p.S527R variant (also known as c.1581C>A), located in coding exon 6 of the BLM gene, results from a C to A substitution at nucleotide position 1581. The serine at codon 527 is replaced by arginine, an amino acid with dissimilar properties. This amino acid position is conserved. In addition, the in silico prediction for this alteration is inconclusive. Since supporting evidence is limited at this time, the clinical significance of this alteration remains unclear.

NM_000057.4(BLM):c.1581C>A (p.Ser527Arg)

Gene: BLM (BLM RecQ like helicase; plus strand). Cytogenetic location: 15q26.1.
Variant type: single nucleotide variant.
Coding change: c.1581C>A on transcript NM_000057.4 (MANE Select); coding-DNA position 1581, C replaced by A.
Protein change: p.Ser527Arg; replaces serine 527 with arginine.
Molecular consequence: missense variant.
Genome position (GRCh38, 1-based): chr15:90,760,954, C>A. VCF-style: chr15-90760954-C-A. GRCh37 (hg19) VCF-style: chr15-91304184-C-A.
Other names: c.1581C>A, p.Ser527Arg (NM_001287246.2, NM_001287247.2); c.456C>A, p.Ser152Arg (NM_001287248.2); short protein forms S152R, S527R.
Identifiers: ClinVar variation 1775703 (VCV001775703.2), dbSNP rs2151158535, ClinGen allele CA393843372.